The following is an entry in ClinVar:

ClinVar aggregate classification (germline): Uncertain significance (1 of 4 stars; one submission).

Allele frequency attached by ClinVar (database versions not stated): gnomAD exomes below 0.00001; ExAC 0.00001.
gnomAD v4.1: 2 of 1,613,484 alleles (0.00012%); highest among the groups gnomAD compares: African/African-American, 0.0013%; no homozygotes.

Submission:

Labcorp Genetics (formerly Invitae), Labcorp
Classification: Uncertain significance. Last evaluated: 2020-11-26. Review status: criteria provided, single submitter. Criteria: Invitae Variant Classification Sherloc (09022015). Collection method: clinical testing. Allele origin: germline.
Comment: This sequence change replaces proline with leucine at codon 988 of the PCARE protein (p.Pro988Leu). The proline residue is highly conserved and there is a moderate physicochemical difference between proline and leucine. This variant is present in population databases (rs769818230, ExAC 0.002%). This variant has not been reported in the literature in individuals with PCARE-related conditions. Algorithms developed to predict the effect of missense changes on protein structure and function (SIFT, PolyPhen-2, Align-GVGD) all suggest that this variant is likely to be tolerated, but these predictions have not been confirmed by published functional studies and their clinical significance is uncertain. In summary, the available evidence is currently insufficient to determine the role of this variant in disease. Therefore, it has been classified as a Variant of Uncertain Significance.

NM_001029883.3(PCARE):c.2963C>T (p.Pro988Leu)

Gene: PCARE (photoreceptor cilium actin regulator; minus strand). Cytogenetic location: 2p23.2.
Variant type: single nucleotide variant.
Coding change: c.2963C>T on transcript NM_001029883.3 (MANE Select); coding-DNA position 2963, C replaced by T.
Protein change: p.Pro988Leu; replaces proline 988 with leucine.
Molecular consequence: missense variant.
Genome position (GRCh38, 1-based): chr2:29,071,299, G>A on the plus strand (C>T on the coding strand, the complement: PCARE is on the minus strand). VCF-style: chr2-29071299-G-A. GRCh37 (hg19) VCF-style: chr2-29294165-G-A.
Other names: short protein forms P988L.
Identifiers: ClinVar variation 1356631 (VCV001356631.8), dbSNP rs769818230, ClinGen allele CA1592071.